The following is an entry in ClinVar:

ClinVar aggregate classification (germline): Uncertain significance (1 of 4 stars; one submission).

Submission:

GeneDx
Classification: Uncertain significance. Last evaluated: 2023-08-03. Review status: criteria provided, single submitter. Criteria: GeneDx Variant Classification Process June 2021. Collection method: clinical testing. Allele origin: germline. Affected: yes.
Comment: Not observed at significant frequency in large population cohorts (gnomAD); Normal stop codon changed to an R codon, leading to the addition of 43 amino acids at the C-terminus; Has not been previously published as pathogenic or benign to our knowledge

NM_002618.4(PEX13):c.1210T>C (p.Ter404Arg)

Gene: PEX13 (peroxisomal biogenesis factor 13; plus strand). Cytogenetic location: 2p15.
Variant type: single nucleotide variant.
Coding change: c.1210T>C on transcript NM_002618.4 (MANE Select); coding-DNA position 1210, T replaced by C.
Protein change: p.Ter404Arg.
Molecular consequence: stop lost.
Genome position (GRCh38, 1-based): chr2:61,048,768, T>C. VCF-style: chr2-61048768-T-C. GRCh37 (hg19) VCF-style: chr2-61275903-T-C.
Identifiers: ClinVar variation 3253582 (VCV003253582.1), dbSNP rs2467530829.